The following is an entry in ClinVar:

NM_182943.3(PLOD2):c.97A>T (p.Ser33Cys)

Gene: PLOD2 (procollagen-lysine,2-oxoglutarate 5-dioxygenase 2; minus strand). Cytogenetic location: 3q24.
Variant type: single nucleotide variant.
Coding change: c.97A>T on transcript NM_182943.3 (MANE Select); coding-DNA position 97, A replaced by T.
Protein change: p.Ser33Cys; replaces serine 33 with cysteine.
Molecular consequence: missense variant.
Genome position (GRCh38, 1-based): chr3:146,160,893, T>A on the plus strand (A>T on the coding strand, the complement: PLOD2 is on the minus strand). VCF-style: chr3-146160893-T-A. GRCh37 (hg19) VCF-style: chr3-145878680-T-A.
Other names: c.97A>T, p.Ser33Cys (NM_000935.3); short protein forms S33C.
Identifiers: ClinVar variation 2191546 (VCV002191546.4), dbSNP rs538397774, ClinGen allele CA84525043.

ClinVar aggregate classification (germline): Uncertain significance (1 of 4 stars; one submission).

Allele frequency attached by ClinVar (database versions not stated): gnomAD 0.00001; 1000 Genomes Project 0.00020; 1000 Genomes Project 30x 0.00031.
gnomAD v4.1: 1 of 1,578,972 alleles (0.000063%); highest among the groups gnomAD compares: East Asian, 0.0023%; no homozygotes.

Submission:

Labcorp Genetics (formerly Invitae), Labcorp
Classification: Uncertain significance. Last evaluated: 2022-04-12. Review status: criteria provided, single submitter. Criteria: Invitae Variant Classification Sherloc (09022015). Collection method: clinical testing. Allele origin: germline.
Comment: In summary, the available evidence is currently insufficient to determine the role of this variant in disease. Therefore, it has been classified as a Variant of Uncertain Significance. This sequence change replaces serine, which is neutral and polar, with cysteine, which is neutral and slightly polar, at codon 33 of the PLOD2 protein (p.Ser33Cys). This variant is not present in population databases (gnomAD no frequency). This variant has not been reported in the literature in individuals affected with PLOD2-related conditions. Algorithms developed to predict the effect of missense changes on protein structure and function (SIFT, PolyPhen-2, Align-GVGD) all suggest that this variant is likely to be tolerated.